The following is an entry in ClinVar:

ClinVar aggregate classification (germline): Pathogenic (1 of 4 stars; one submission).

Conditions:
Emery-Dreifuss muscular dystrophy 4, autosomal dominant (EDMD4). Also called: EMERY-DREIFUSS MUSCULAR DYSTROPHY 4 WITH VARIABLE FEATURES. Identifiers: Orphanet 261, MedGen C2751807, MONDO:0013071, OMIM 612998.
Autosomal recessive ataxia, Beauce type. Also called: SYNE1 Deficiency; Spinocerebellar ataxia, autosomal recessive 8; ATAXIA, RECESSIVE, OF BEAUCE; SYNE1-Related Autosomal Recessive Cerebellar Ataxia. Identifiers: Orphanet 88644, MedGen C1853116, MONDO:0012549, OMIM 610743.

Submission:

Labcorp Genetics (formerly Invitae), Labcorp
Classification: Pathogenic for Emery-Dreifuss muscular dystrophy 4, autosomal dominant; Autosomal recessive ataxia, Beauce type. Last evaluated: 2022-07-06. Review status: criteria provided, single submitter. Criteria: Invitae Variant Classification Sherloc (09022015). Collection method: clinical testing. Allele origin: germline.
Comment: This sequence change creates a premature translational stop signal (p.Arg398*) in the SYNE1 gene. It is expected to result in an absent or disrupted protein product. Loss-of-function variants in SYNE1 are known to be pathogenic (PMID: 19542096, 24319099, 27086870). This variant is not present in population databases (gnomAD no frequency). This variant has not been reported in the literature in individuals affected with SYNE1-related conditions. For these reasons, this variant has been classified as Pathogenic.

Literature cited by the submitters: PubMed 19542096; PubMed 24319099; PubMed 27086870.

NM_182961.4(SYNE1):c.1171A>T (p.Arg391Ter)

Gene: SYNE1 (spectrin repeat containing nuclear envelope protein 1; minus strand). Cytogenetic location: 6q25.2.
Variant type: single nucleotide variant.
Coding change: c.1171A>T on transcript NM_182961.4 (MANE Select); coding-DNA position 1171, A replaced by T.
Protein change: p.Arg391Ter; replaces arginine 391 with a stop codon.
Molecular consequence: nonsense.
Genome position (GRCh38, 1-based): chr6:152,484,849, T>A on the plus strand (A>T on the coding strand, the complement: SYNE1 is on the minus strand). VCF-style: chr6-152484849-T-A. GRCh37 (hg19) VCF-style: chr6-152805984-T-A.
Other names: c.1192A>T, p.Arg398Ter (NM_033071.5); short protein forms R391*, R398*.
Identifiers: ClinVar variation 2087738 (VCV002087738.4), dbSNP rs2505832456, ClinGen allele CA366141424.
Genomic context (GRCh38, chr6:152,484,849, plus strand): 5'-TTCTAAATTTATTAAGCTCAGTATAACTAATTGTGGGAGAACTTACCCTGGAGGTCACTC[T>A]ATCCCAAGATTGTTTTACCAATGCTTGGTCAAGTGACAATTTACCGTCTCTGTGTAATGG-3'